The following is an entry in ClinVar:

NM_005631.5(SMO):c.717C>T (p.Ala239=)

Gene: SMO (smoothened, frizzled class receptor; plus strand). Cytogenetic location: 7q32.1.
Variant type: single nucleotide variant.
Coding change: c.717C>T on transcript NM_005631.5 (MANE Select); coding-DNA position 717, C replaced by T.
Protein change: p.Ala239=; no amino-acid change (alanine 239 retained).
Molecular consequence: synonymous variant.
Genome position (GRCh38, 1-based): chr7:129,205,382, C>T. VCF-style: chr7-129205382-C-T. GRCh37 (hg19) VCF-style: chr7-128845223-C-T.
Identifiers: ClinVar variation 774136 (VCV000774136.42), dbSNP rs111482521, ClinGen allele CA4479173.

ClinVar aggregate classification (germline): Benign/Likely benign. Review status: criteria provided, multiple submitters, no conflicts (2 of 4 stars). 4 submissions from 4 submitters: Benign (1); Likely benign (3). Last evaluated 2026-06-01.

Allele frequency attached by ClinVar (database versions not stated): 1000 Genomes Project 30x 0.00265; 1000 Genomes Project 0.00300; TOPMed 0.00413; ESP Exome Variant Server 0.00484; gnomAD exomes 0.00492; gnomAD 0.00510; ExAC 0.00588.
gnomAD v4.1: 10,237 of 1,611,784 alleles (0.64%); highest among the groups gnomAD compares: Middle Eastern, 0.99%; 51 homozygotes.

Submissions (4):

CeGaT Center for Human Genetics Tuebingen
Classification: Likely benign. Last evaluated: 2026-06-01. Review status: criteria provided, single submitter. Criteria: CeGaT Center For Human Genetics Tuebingen Variant Classification Criteria Version 2. Collection method: clinical testing. Allele origin: germline. Affected: yes. Observed: 7 variant alleles.
Comment: SMO: BP4, BP7, BS2

GeneDx
Classification: Likely benign. Last evaluated: 2021-11-05. Review status: criteria provided, single submitter. Criteria: GeneDx Variant Classification Process June 2021. Collection method: clinical testing. Allele origin: germline. Affected: yes.

Labcorp Genetics (formerly Invitae), Labcorp
Classification: Benign. Last evaluated: 2019-12-31. Review status: criteria provided, single submitter. Criteria: Invitae Variant Classification Sherloc (09022015). Collection method: clinical testing. Allele origin: germline.

Breakthrough Genomics
Classification: Likely benign. Review status: criteria provided, single submitter. Criteria: ACMG Guidelines, 2015. Collection method: not provided. Allele origin: germline. Inheritance: Autosomal recessive inheritance. Affected: yes.